The following is an entry in ClinVar:

NM_032444.4(SLX4):c.805G>T (p.Ala269Ser)

Gene: SLX4 (SLX4 structure-specific endonuclease subunit; minus strand). Cytogenetic location: 16p13.3.
Variant type: single nucleotide variant.
Coding change: c.805G>T on transcript NM_032444.4 (MANE Select); coding-DNA position 805, G replaced by T.
Protein change: p.Ala269Ser; replaces alanine 269 with serine.
Molecular consequence: missense variant.
Genome position (GRCh38, 1-based): chr16:3,602,263, C>A on the plus strand (G>T on the coding strand, the complement: SLX4 is on the minus strand). VCF-style: chr16-3602263-C-A. GRCh37 (hg19) VCF-style: chr16-3652264-C-A.
Other names: short protein forms A269S.
Identifiers: ClinVar variation 2421627 (VCV002421627.6), dbSNP rs763480007, ClinGen allele CA394532460.

ClinVar aggregate classification (germline): Uncertain significance (1 of 4 stars; one submission).

Conditions:
Fanconi anemia (FA). Also called: Fanconi's anemia. Identifiers: Orphanet 84, MedGen C0015625, MeSH D005199, MONDO:0019391.

Allele frequency attached by ClinVar (database versions not stated): gnomAD 0.00001; TOPMed 0.00002.
gnomAD v4.1: 2 of 1,614,064 alleles (0.00012%); highest among the groups gnomAD compares: African/African-American, 0.0013%; no homozygotes.

Submission:

Labcorp Genetics (formerly Invitae), Labcorp
Classification: Uncertain significance for Fanconi anemia. Last evaluated: 2021-12-11. Review status: criteria provided, single submitter. Criteria: Invitae Variant Classification Sherloc (09022015). Collection method: clinical testing. Allele origin: germline.
Comment: In summary, the available evidence is currently insufficient to determine the role of this variant in disease. Therefore, it has been classified as a Variant of Uncertain Significance. Algorithms developed to predict the effect of missense changes on protein structure and function are either unavailable or do not agree on the potential impact of this missense change (SIFT: "Deleterious"; PolyPhen-2: "Probably Damaging"; Align-GVGD: "Class C0"). This variant has not been reported in the literature in individuals affected with SLX4-related conditions. This variant is not present in population databases (gnomAD no frequency). This sequence change replaces alanine, which is neutral and non-polar, with serine, which is neutral and polar, at codon 269 of the SLX4 protein (p.Ala269Ser).